The following is an entry in ClinVar:

ClinVar aggregate classification (germline): Uncertain significance (1 of 4 stars; one submission).

Conditions:
Hereditary cancer-predisposing syndrome. Also called: Neoplastic Syndromes, Hereditary; Tumor predisposition; Hereditary Cancer Syndrome; Hereditary neoplastic syndrome. Identifiers: Orphanet 140162, MedGen C0027672, MeSH D009386, MONDO:0015356.

Submission:

Ambry Genetics
Classification: Uncertain significance for Hereditary cancer-predisposing syndrome. Last evaluated: 2026-04-03. Review status: criteria provided, single submitter. Criteria: Ambry Variant Classification Scheme 2023. Collection method: clinical testing. Allele origin: germline.
Comment: The p.M1149K variant (also known as c.3446T>A), located in coding exon 10 of the BRCA2 gene, results from a T to A substitution at nucleotide position 3446. The methionine at codon 1149 is replaced by lysine, an amino acid with similar properties. This amino acid position is not well conserved in available vertebrate species. In addition, this alteration is predicted to be tolerated by in silico analysis. Based on the available evidence, the clinical significance of this variant remains unclear.

NM_000059.4(BRCA2):c.3446T>A (p.Met1149Lys)

Gene: BRCA2 (BRCA2 DNA repair associated; plus strand). Cytogenetic location: 13q13.1.
Variant type: single nucleotide variant.
Coding change: c.3446T>A on transcript NM_000059.4 (MANE Select); coding-DNA position 3446, T replaced by A.
Protein change: p.Met1149Lys; replaces methionine 1149 with lysine.
Molecular consequence: missense variant. On other transcripts: non-coding transcript variant (1), intron variant (2).
Genome position (GRCh38, 1-based): chr13:32,337,801, T>A. VCF-style: chr13-32337801-T-A. GRCh37 (hg19) VCF-style: chr13-32911938-T-A.
Other names: c.3446T>A, p.Met1149Lys (NM_001406719.1, NM_001406720.1, NM_001432077.1); c.1909+4414T>A (NM_001406721.1); c.425-6757T>A (NM_001406722.1); short protein forms M1149K.
Identifiers: ClinVar variation 4867803 (VCV004867803.1).